The following is an entry in ClinVar:

NM_001376571.1(MADD):c.3400G>A (p.Ala1134Thr)

Gene: MADD (MAP kinase activating death domain; plus strand). Cytogenetic location: 11p11.2.
Variant type: single nucleotide variant.
Coding change: c.3400G>A on transcript NM_001376571.1 (MANE Select); coding-DNA position 3400, G replaced by A.
Protein change: p.Ala1134Thr; replaces alanine 1134 with threonine.
Molecular consequence: missense variant. On other transcripts: intron variant (55), non-coding transcript variant (5).
Genome position (GRCh38, 1-based): chr11:47,292,581, G>A. VCF-style: chr11-47292581-G-A. GRCh37 (hg19) VCF-style: chr11-47314132-G-A.
Other names: c.3173-1302G>A (NM_001376615.1, NM_001376653.1, NM_001135943.2 and 14 more transcripts); c.3071-1302G>A (NM_001376650.1); c.3209-1302G>A (NM_001376602.1); c.3029-1302G>A (NM_001376635.1, NM_001376654.1, NM_001376646.1); c.2636-1302G>A (NM_001376663.1); c.3233-1302G>A (NM_001376637.1, NM_001376639.1, NM_001376586.1 and 7 more transcripts); c.3418G>A, p.Ala1140Thr (NM_001376596.1); c.3211G>A, p.Ala1071Thr (NM_001376597.1, NM_001376598.1, NM_001376640.1 and 4 more transcripts); and 18 more; short protein forms A1134T, A1003T, A1023T, A1037T, A1046T, A1062T, A1066T, A1071T.
Identifiers: ClinVar variation 91953 (VCV000091953.2), dbSNP rs386352327, ClinGen allele CA232231.

ClinVar aggregate classification (germline): Uncertain significance (0 of 4 stars; one submission).

Submission:

Richard Lifton Laboratory, Yale University School of Medicine
Classification: Uncertain significance. Review status: no assertion criteria provided. Collection method: not provided. Allele origin: somatic.
Comment: MADD
ClinVar note: Converted during submission from unknown to Uncertain significance.